The following is an entry in ClinVar:

NM_001321075.3(DLG4):c.1486C>T (p.Arg496Ter)

Gene: DLG4 (discs large MAGUK scaffold protein 4; minus strand). Cytogenetic location: 17p13.1.
Variant type: single nucleotide variant.
Coding change: c.1486C>T on transcript NM_001321075.3 (MANE Select); coding-DNA position 1486, C replaced by T.
Protein change: p.Arg496Ter; replaces arginine 496 with a stop codon.
Molecular consequence: nonsense. On other transcripts: non-coding transcript variant (1).
Genome position (GRCh38, 1-based): chr17:7,193,993, G>A on the plus strand (C>T on the coding strand, the complement: DLG4 is on the minus strand). VCF-style: chr17-7193993-G-A. GRCh37 (hg19) VCF-style: chr17-7097312-G-A.
Other names: c.1306C>T, p.Arg436Ter (NM_001321077.3, NM_001321076.3); c.1615C>T, p.Arg539Ter (NM_001365.5); c.1405C>T, p.Arg469Ter (NM_001369566.3); c.1477C>T, p.Arg493Ter (NM_001128827.4); c.1606C>T, p.Arg536Ter (NM_001321074.1); c.1615C>T (NM_001365.3); short protein forms R436*, R469*, R493*, R496*, R536*, R539*.
Identifiers: ClinVar variation 1324230 (VCV001324230.11), dbSNP rs2142828228, ClinGen allele CA397715480.

ClinVar aggregate classification (germline): Pathogenic/Likely pathogenic. Review status: criteria provided, multiple submitters, no conflicts (2 of 4 stars). 6 submissions from 6 submitters: Pathogenic (5); Likely pathogenic (1). Last evaluated 2025-10-08.

Conditions:
Intellectual developmental disorder 62. Also called: MENTAL RETARDATION, AUTOSOMAL DOMINANT 62; INTELLECTUAL DEVELOPMENTAL DISORDER, AUTOSOMAL DOMINANT 62. Identifiers: MedGen C5394083, MONDO:0032919, OMIM 618793.

Submissions (6):

Variantyx, Inc.
Classification: Pathogenic for Intellectual developmental disorder 62. Last evaluated: 2025-10-08. Review status: criteria provided, single submitter. Criteria: Variantyx Assertion Criteria 2022. Collection method: clinical testing. Allele origin: de novo. Inheritance: Autosomal dominant inheritance. Affected: yes.
Comment: This is a nonsense variant in the DLG4 gene (OMIM: 602887). Pathogenic variants in this gene have been associated with autosomal dominant intellectual developmental disorder 62. This variant introduces a premature termination codon in exon 13 out of 20 and is expected to result in loss of function, which is a known disease mechanism for DLG4 in this disorder (PMID: 20952458, 29460436) (PVS1). This variant is absent from control populations (PM2). Based on the current evidence, this variant is classified as pathogenic for autosomal dominant intellectual developmental disorder 62.

3billion
Classification: Pathogenic for Intellectual developmental disorder 62. Last evaluated: 2025-07-18. Review status: criteria provided, single submitter. Criteria: ACMG Guidelines, 2015. Collection method: clinical testing. Allele origin: germline. Affected: yes.
Comment: The variant is not observed in the gnomAD v4.1.0 dataset. Predicted Consequence/Location: Stop-gained (nonsense): predicted to result in a loss or disruption of normal protein function through nonsense-mediated decay (NMD) or protein truncation. Multiple pathogenic variants are reported downstream of the variant. The variant has been reported at least twice as pathogenic with clinical assertions and evidence for the classification (ClinVar ID: VCV001324230 /3billion dataset). Therefore, this variant is classified as Pathogenic according to the recommendation of ACMG/AMP guideline.

GeneDx
Classification: Pathogenic. Last evaluated: 2024-06-10. Review status: criteria provided, single submitter. Criteria: GeneDx Variant Classification Process June 2021. Collection method: clinical testing. Allele origin: germline. Affected: yes.
Comment: Nonsense variant predicted to result in protein truncation or nonsense mediated decay in a gene for which loss of function is a known mechanism of disease; Not observed at significant frequency in large population cohorts (gnomAD); This variant is associated with the following publications: (PMID: 35982160, 33004838, 38135915)

Institute of Human Genetics, University of Leipzig Medical Center
Classification: Pathogenic for Intellectual developmental disorder 62. Last evaluated: 2023-10-09. Review status: criteria provided, single submitter. Criteria: ACMG Guidelines, 2015. Collection method: clinical testing. Allele origin: de novo. Inheritance: Autosomal dominant inheritance. Affected: yes.
Comment: Criteria applied: PVS1,PS2_MOD,PS4,PM2_SUP

Tumer Group, Copenhagen University Hospital, Rigshospitalet
Classification: Pathogenic for Intellectual developmental disorder 62. Last evaluated: 2023-02-28. Review status: criteria provided, single submitter. Criteria: ACMG Guidelines, 2015. Collection method: research. Allele origin: de novo. Affected: yes.

Revvity Omics, Revvity
Classification: Likely pathogenic. Last evaluated: 2021-06-24. Review status: criteria provided, single submitter. Criteria: ACMG Guidelines, 2015. Collection method: clinical testing. Allele origin: germline.

Literature cited by the submitters: PubMed 20952458 (cited by Variantyx, Inc.); PubMed 29460436 (cited by Variantyx, Inc.).